The following is an entry in ClinVar:

NM_000094.4(COL7A1):c.3622G>T (p.Asp1208Tyr)

Gene: COL7A1 (collagen type VII alpha 1 chain; minus strand). Cytogenetic location: 3p21.31.
Variant type: single nucleotide variant.
Coding change: c.3622G>T on transcript NM_000094.4 (MANE Select); coding-DNA position 3622, G replaced by T.
Protein change: p.Asp1208Tyr; replaces aspartic acid 1208 with tyrosine.
Molecular consequence: missense variant.
Genome position (GRCh38, 1-based): chr3:48,586,175, C>A on the plus strand (G>T on the coding strand, the complement: COL7A1 is on the minus strand). VCF-style: chr3-48586175-C-A. GRCh37 (hg19) VCF-style: chr3-48623608-C-A.
Other names: short protein forms D1208Y.
Identifiers: ClinVar variation 4753596 (VCV004753596.1).
Genomic context (GRCh38, chr3:48,586,175, plus strand): 5'-CACTGACTGCCTGGTCCAGGCTTGGCCCATCATCCACGGCGAAGAAGGTCTGGACAGAGT[C>A]CATACCCGGCGCCAAGCGACGCAGCTGCTCTGGGTCCGCTCCAGCCATTCCCAACATCAC-3'
Protein context (NP_000085.1, residues 1198-1218): EQLRRLAPGM[Asp1208Tyr]SVQTFFAVDD

ClinVar aggregate classification (germline): Uncertain significance (1 of 4 stars; one submission).

gnomAD v4.1: 9 of 1,613,264 alleles (0.00056%); highest among the groups gnomAD compares: African/African-American, 0.0013%; no homozygotes.

Submission:

Labcorp Genetics (formerly Invitae), Labcorp
Classification: Uncertain significance. Last evaluated: 2025-02-04. Review status: criteria provided, single submitter. Criteria: Invitae Variant Classification Sherloc (09022015). Collection method: clinical testing. Allele origin: germline.
Comment: This sequence change replaces aspartic acid, which is acidic and polar, with tyrosine, which is neutral and polar, at codon 1208 of the COL7A1 protein (p.Asp1208Tyr). This variant is present in population databases (no rsID available, gnomAD 0.0009%). This variant has not been reported in the literature in individuals affected with COL7A1-related conditions. Invitae Evidence Modeling of protein sequence and biophysical properties (such as structural, functional, and spatial information, amino acid conservation, physicochemical variation, residue mobility, and thermodynamic stability) indicates that this missense variant is not expected to disrupt COL7A1 protein function with a negative predictive value of 95%. In summary, the available evidence is currently insufficient to determine the role of this variant in disease. Therefore, it has been classified as a Variant of Uncertain Significance.